The following is an entry in ClinVar:

NM_020877.5(DNAH2):c.4453G>C (p.Asp1485His)

Gene: DNAH2 (dynein axonemal heavy chain 2; plus strand). Cytogenetic location: 17p13.1.
Variant type: single nucleotide variant.
Coding change: c.4453G>C on transcript NM_020877.5 (MANE Select); coding-DNA position 4453, G replaced by C.
Protein change: p.Asp1485His; replaces aspartic acid 1485 with histidine.
Molecular consequence: missense variant.
Genome position (GRCh38, 1-based): chr17:7,771,420, G>C. VCF-style: chr17-7771420-G-C. GRCh37 (hg19) VCF-style: chr17-7674738-G-C.
Other names: short protein forms D1485H.
Identifiers: ClinVar variation 402719 (VCV000402719.4), dbSNP rs1060499854, ClinGen allele CA16609770.

ClinVar aggregate classification (germline): Uncertain significance (1 of 4 stars; one submission).

Submission:

Laboratory for Molecular Medicine, Mass General Brigham Personalized Medicine
Classification: Uncertain significance. Last evaluated: 2016-03-29. Review status: criteria provided, single submitter. Criteria: LMM Criteria. Collection method: clinical testing. Allele origin: germline.
Comment: Variant identified in a genome or exome case(s) and assessed due to predicted null impact of the variant or pathogenic assertions in the literature or databases. Disclaimer: This variant has not undergone full assessment.